The following is an entry in ClinVar:

NM_001267550.2(TTN):c.57000G>A (p.Trp19000Ter)

Genes: TTN (titin; minus strand), TTN-AS1 (TTN antisense RNA 1; plus strand). Cytogenetic location: 2q31.2.
Variant type: single nucleotide variant.
Coding change: c.57000G>A on transcript NM_001267550.2 (MANE Select); coding-DNA position 57000, G replaced by A.
Protein change: p.Trp19000Ter; replaces tryptophan 19000 with a stop codon.
Molecular consequence: nonsense. On other transcripts: non-coding transcript variant (1).
Genome position (GRCh38, 1-based): chr2:178,598,617, C>T on the plus strand (G>A on the coding strand, the complement: TTN is on the minus strand). VCF-style: chr2-178598617-C-T. GRCh37 (hg19) VCF-style: chr2-179463344-C-T.
Other names: c.52077G>A, p.Trp17359Ter (NM_001256850.1); c.29805G>A, p.Trp9935Ter (NM_003319.4); c.49296G>A, p.Trp16432Ter (NM_133378.4); c.30180G>A, p.Trp10060Ter (NM_133432.3); c.30381G>A, p.Trp10127Ter (NM_133437.4); short protein forms W10127*, W17359*, W19000*, W9935*, W10060*, W16432*.
Identifiers: ClinVar variation 4784730 (VCV004784730.3).

ClinVar aggregate classification (germline): Likely pathogenic. Review status: criteria provided, multiple submitters, no conflicts (2 of 4 stars). 2 submissions from 2 submitters: Likely pathogenic (2). Last evaluated 2025-04-17.

Conditions:
Dilated cardiomyopathy 1G (CMD1G). Identifiers: Orphanet 154, MedGen C1858763, MONDO:0011400, OMIM 604145.
Autosomal recessive limb-girdle muscular dystrophy type 2J (LGMDR10). Also called: Limb-girdle muscular dystrophy, type 2J; MUSCULAR DYSTROPHY, LIMB-GIRDLE, AUTOSOMAL RECESSIVE 10. Identifiers: Orphanet 140922, MedGen C1837342, MONDO:0012127, OMIM 608807.

gnomAD v4.1: 1 of 1,606,596 alleles (0.000062%); highest among the groups gnomAD compares: Non-Finnish European, 0.000085%; no homozygotes.

Submissions (2):

Labcorp Genetics (formerly Invitae), Labcorp
Classification: Likely pathogenic for Dilated cardiomyopathy 1G; Autosomal recessive limb-girdle muscular dystrophy type 2J. Last evaluated: 2025-04-17. Review status: criteria provided, single submitter. Criteria: Invitae Variant Classification Sherloc (09022015). Collection method: clinical testing. Allele origin: germline.
Comment: This sequence change creates a premature translational stop signal (p.Trp19000*) in the TTN gene. While this is not anticipated to result in nonsense mediated decay, it is expected to create a truncated TTN protein. This variant is not present in population databases (gnomAD no frequency). This variant has not been reported in the literature in individuals affected with TTN-related conditions. This variant is located in the A band of TTN (PMID: 25589632). Truncating variants in this region are significantly overrepresented in patients affected with dilated cardiomyopathy (PMID: 25589632). Truncating variants in this region have also been reported in individuals affected with autosomal recessive centronuclear myopathy (PMID: 23975875). In summary, the currently available evidence indicates that the variant is pathogenic, but additional data are needed to prove that conclusively. Therefore, this variant has been classified as Likely Pathogenic.

Juno Genomics, Hangzhou Juno Genomics, Inc
Classification: Likely pathogenic for Dilated cardiomyopathy 1G. Review status: criteria provided, single submitter. Criteria: ACMG Guidelines, 2015. Collection method: clinical testing. Allele origin: germline.
Comment: Absent from controls (or at extremely low frequency if recessive) in Genome Aggregation Database.;Null variant in a gene where loss of function (LOF) is a known mechanism of disease.

Literature cited by the submitters: PubMed 25589632 (cited by Labcorp Genetics (formerly Invitae), Labcorp); PubMed 23975875 (cited by Labcorp Genetics (formerly Invitae), Labcorp).